The following is an entry in ClinVar:

ClinVar aggregate classification (germline): Benign/Likely benign. Review status: criteria provided, multiple submitters, no conflicts (2 of 4 stars). 3 submissions from 3 submitters: Benign (1); Likely benign (2). Last evaluated 2026-04-30.

Conditions:
Colorectal cancer, hereditary nonpolyposis, type 7. Identifiers: Orphanet 144, MedGen C1858380, MONDO:0013725, OMIM 614385.

Allele frequency attached by ClinVar (database versions not stated): gnomAD exomes below 0.00001.
gnomAD v4.1: 6 of 1,614,142 alleles (0.00037%); highest among the groups gnomAD compares: Non-Finnish European, 0.00051%; no homozygotes.

Submissions (3):

Myriad Genetics, Inc.
Classification: Benign for Colorectal cancer, hereditary nonpolyposis, type 7. Last evaluated: 2026-04-30. Review status: criteria provided, single submitter. Criteria: Myriad Autosomal Dominant, Autosomal Recessive and X-Linked Classification Criteria (2023). Collection method: clinical testing. Allele origin: unknown.
Comment: This variant is considered benign. This variant is a silent/synonymous amino acid change and it is not expected to impact splicing.

Labcorp Genetics (formerly Invitae), Labcorp
Classification: Likely benign for Colorectal cancer, hereditary nonpolyposis, type 7. Last evaluated: 2023-10-05. Review status: criteria provided, single submitter. Criteria: Invitae Variant Classification Sherloc (09022015). Collection method: clinical testing. Allele origin: germline.

Ambry Genetics
Classification: Likely benign. Last evaluated: 2019-09-19. Review status: criteria provided, single submitter. Criteria: Ambry Variant Classification Scheme 2023. Collection method: clinical testing. Allele origin: germline.

NM_001040108.2(MLH3):c.1926T>C (p.Phe642=)

Gene: MLH3 (mutL homolog 3; minus strand). Cytogenetic location: 14q24.3.
Variant type: single nucleotide variant.
Coding change: c.1926T>C on transcript NM_001040108.2 (MANE Select); coding-DNA position 1926, T replaced by C.
Protein change: p.Phe642=; no amino-acid change (phenylalanine 642 retained).
Molecular consequence: synonymous variant.
Genome position (GRCh38, 1-based): chr14:75,047,730, A>G on the plus strand (T>C on the coding strand, the complement: MLH3 is on the minus strand). VCF-style: chr14-75047730-A-G. GRCh37 (hg19) VCF-style: chr14-75514433-A-G.
Other names: c.1926T>C, p.Phe642= (NM_014381.3).
Identifiers: ClinVar variation 1129762 (VCV001129762.12), dbSNP rs1319967873, ClinGen allele CA487273517.